The following is an entry in ClinVar:

ClinVar aggregate classification (germline): Benign (1 of 4 stars; one submission).

Conditions:
Maturity-onset diabetes of the young type 6 (MODY6). Identifiers: Orphanet 552, MedGen C1853371, MONDO:0011668, OMIM 606394.

Allele frequency attached by ClinVar (database versions not stated): 1000 Genomes Project 0.00080; gnomAD 0.00252 and 0.00235; 1000 Genomes Project 30x 0.00078; TOPMed 0.00218.
gnomAD v4.1: 356 of 152,166 alleles (0.23%); highest among the groups gnomAD compares: Non-Finnish European, 0.38%; 3 homozygotes.

Submission:

Illumina Laboratory Services, Illumina
Classification: Benign for Maturity-onset diabetes of the young type 6. Last evaluated: 2018-01-12. Review status: criteria provided, single submitter. Criteria: ICSL Variant Classification Criteria 13 December 2019. Collection method: clinical testing. Allele origin: germline.
Comment: This variant was observed in the ICSL laboratory as part of a predisposition screen in an ostensibly healthy population. It had not been previously curated by ICSL or reported in the Human Gene Mutation Database (HGMD: prior to June 1st, 2018), and was therefore a candidate for classification through an automated scoring system. Utilizing variant allele frequency, disease prevalence and penetrance estimates, and inheritance mode, an automated score was calculated to assess if this variant is too frequent to cause the disease. Based on the score and internal cut-off values, a variant classified as benign is not then subjected to further curation. The score for this variant resulted in a classification of benign for this disease.

NM_002500.4(NEUROD1):c.*1595G>A

Gene: NEUROD1 (neuronal differentiation 1; minus strand). Cytogenetic location: 2q31.3.
Variant type: single nucleotide variant.
Coding change: c.*1595G>A on transcript NM_002500.4; 1595 bases downstream of the stop codon, G replaced by A.
Genome position (GRCh38, 1-based): chr2:181,676,195, C>T on the plus strand (G>A on the coding strand, the complement: NEUROD1 is on the minus strand). VCF-style: chr2-181676195-C-T. GRCh37 (hg19) VCF-style: chr2-182540922-C-T.
Identifiers: ClinVar variation 333018 (VCV000333018.7), dbSNP rs187310461, ClinGen allele CA10611741.